The following is an entry in ClinVar:

NM_001009944.3(PKD1):c.413G>A (p.Arg138Gln)

Gene: PKD1 (polycystin 1, transient receptor potential channel interacting; minus strand). Cytogenetic location: 16p13.3.
Variant type: single nucleotide variant.
Coding change: c.413G>A on transcript NM_001009944.3 (MANE Select); coding-DNA position 413, G replaced by A.
Protein change: p.Arg138Gln; replaces arginine 138 with glutamine.
Molecular consequence: missense variant.
Genome position (GRCh38, 1-based): chr16:2,118,792, C>T on the plus strand (G>A on the coding strand, the complement: PKD1 is on the minus strand). VCF-style: chr16-2118792-C-T. GRCh37 (hg19) VCF-style: chr16-2168793-C-T.
Other names: c.413G>A (NM_000296.3); c.413G>A, p.Arg138Gln (NM_000296.4); short protein forms R138Q.
Identifiers: ClinVar variation 997147 (VCV000997147.3), dbSNP rs2515725, ClinGen allele CA7833709.
Genomic context (GRCh38, chr16:2,118,792, plus strand): 5'-GGCCCAGCACACGTGGCTGCCTCGGGCTGCACCACCCGCACCTGCTGCTCCTCCGCCCAT[C>T]GCGGCAGCCACGCCAGGCCACAGTCACACTCAAACGGGTTCCCACTCAGGTTTCTGCAGG-3'
Protein context (NP_001009944.3, residues 128-148): ECDCGLAWLP[Arg138Gln]WAEEQQVRVV

ClinVar aggregate classification (germline): Conflicting classifications of pathogenicity. Review status: criteria provided, conflicting classifications (1 of 4 stars). 3 submissions from 3 submitters: Uncertain significance (1); Likely benign (1). 1 of the submissions does not count toward it. Last evaluated 2024-08-05.

Conditions:
Inborn genetic diseases. Identifiers: MedGen C0950123, MeSH D030342.
Polycystic kidney disease. Also called: Polycystic kidney dysplasia; Kidney, Polycystic. Identifiers: MedGen C0022680, MeSH D007690, MONDO:0020642, HP:0000113.
Polycystic kidney disease, adult type (PKD1). Also called: POLYCYSTIC KIDNEY DISEASE, ADULT, TYPE I; Polycystic Kidney Disease 1, Autosomal Dominant; Polycystic kidney disease 1; Polycystic kidney disease 1, severe; Polycystic Kidney, Autosomal Dominant; POLYCYSTIC KIDNEY DISEASE 1 WITH OR WITHOUT POLYCYSTIC LIVER DISEASE. Identifiers: MedGen C3149841, MONDO:0008263, OMIM 173900.

Allele frequency attached by ClinVar (database versions not stated): ExAC below 0.00001; gnomAD exomes 0.00001 and 0.00003; TOPMed 0.00005; gnomAD 0.00006 and 0.00007.
gnomAD v4.1: 45 of 1,537,002 alleles (0.0029%); highest among the groups gnomAD compares: African/African-American, 0.0054%; no homozygotes.

Submissions (3):

Ambry Genetics
Classification: Uncertain significance for Inborn genetic diseases. Last evaluated: 2024-08-05. Review status: criteria provided, single submitter. Criteria: Ambry Variant Classification Scheme 2023. Collection method: clinical testing. Allele origin: germline.

Fulgent Genetics
Classification: Likely benign for Polycystic kidney disease, adult type. Last evaluated: 2024-02-11. Review status: criteria provided, single submitter. Criteria: ACMG Guidelines, 2015. Collection method: clinical testing. Allele origin: germline.

Department of Pathology and Laboratory Medicine, Sinai Health System
Classification: Uncertain significance for Polycystic Kidney disease. Review status: no assertion criteria provided. Collection method: clinical testing. Allele origin: unknown. Affected: yes. Study: The Canadian Open Genetics Repository (COGR). Not counted in ClinVar's aggregate classification.
Comment: The PKD1 p.Arg138Gln variant was not identified in the literature nor was it identified in the ClinVar, LOVD 3.0, ADPKD Mutation Database, PKD1-LOVD, databases. The variant was identified in dbSNP (ID: rs777716428) as â€šÃ„ÃºNAâ€šÃ„Ã¹. The variant was also identified in control databases in 3 of 30920 chromosomes at a frequency of 0.0001 in the following population: European in 3 of 14964 chromosomes (freq. 0.0002), increasing the likelihood that this may be a low frequency variant in certain populations of origin (Genome Aggregation Consortium Feb 27, 2017). In addition we cannot be certain that data from control databases is specific to PKD1 and not from one of the six PKD1 pseudogenes. The p.Arg138Gln residue is not conserved in mammals and four out of five computational analyses (PolyPhen-2, SIFT, AlignGVGD, BLOSUM, MutationTaster) do not suggest a high likelihood of impact to the protein; however, this information is not predictive enough to rule out pathogenicity. The variant occurs outside of the splicing consensus sequence and in silico or computational prediction software programs (SpliceSiteFinder, MaxEntScan, NNSPLICE, GeneSplicer, HumanSpliceFinder) do not predict a difference in splicing. The variant is located with the Polycystin cation channel Cysteine-rich flanking region, C-terminal functional domain(s). In summary, based on the above information the clinical significance of this variant cannot be determined with certainty at this time. This variant is classified as a variant of uncertain significance.